The following is an entry in ClinVar:

NM_020944.3(GBA2):c.806G>C (p.Gly269Ala)

Gene: GBA2 (glucosylceramidase beta 2; minus strand). Cytogenetic location: 9p13.3.
Variant type: single nucleotide variant.
Coding change: c.806G>C on transcript NM_020944.3 (MANE Select); coding-DNA position 806, G replaced by C.
Protein change: p.Gly269Ala; replaces glycine 269 with alanine.
Molecular consequence: missense variant.
Genome position (GRCh38, 1-based): chr9:35,741,045, C>G on the plus strand (G>C on the coding strand, the complement: GBA2 is on the minus strand). VCF-style: chr9-35741045-C-G. GRCh37 (hg19) VCF-style: chr9-35741042-C-G.
Other names: c.806G>C, p.Gly269Ala (NM_001330660.2); c.806G>C (NM_020944.2); short protein forms G269A.
Identifiers: ClinVar variation 1014643 (VCV001014643.8), dbSNP rs373010940, ClinGen allele CA5050605.
Genomic context (GRCh38, chr9:35,741,045, plus strand): 5'-AACATGATGGACACATCTAGAGCTTCGTCCCCTTCATTTTCCACATCCCACACAAAGACT[C>G]CTACAGGCAGGCTGCTGTCCTGGGGGCAGAAGATTAGACTCAGACGGTCCCAGTAGAGCG-3'
Protein context (NP_065995.1, residues 259-279): HDYQDSSLPV[Gly269Ala]VFVWDVENEG

ClinVar aggregate classification (germline): Uncertain significance. Review status: criteria provided, multiple submitters, no conflicts (2 of 4 stars). 2 submissions from 2 submitters: Uncertain significance (2). Last evaluated 2021-07-14.

Conditions:
Spastic paraplegia. Identifiers: MedGen C0037772, HP:0001258.
Inborn genetic diseases. Identifiers: MedGen C0950123, MeSH D030342.

Allele frequency attached by ClinVar (database versions not stated): gnomAD exomes 0.00001 and 0.00003; ExAC 0.00004; gnomAD 0.00013 and 0.00017; TOPMed 0.00016; ESP Exome Variant Server 0.00023.

Submissions (2):

Ambry Genetics
Classification: Uncertain significance for Inborn genetic diseases. Last evaluated: 2021-07-14. Review status: criteria provided, single submitter. Criteria: Ambry Variant Classification Scheme 2023. Collection method: clinical testing. Allele origin: germline.

Labcorp Genetics (formerly Invitae), Labcorp
Classification: Uncertain significance for Spastic paraplegia. Last evaluated: 2020-08-08. Review status: criteria provided, single submitter. Criteria: Invitae Variant Classification Sherloc (09022015). Collection method: clinical testing. Allele origin: germline.
Comment: In summary, the available evidence is currently insufficient to determine the role of this variant in disease. Therefore, it has been classified as a Variant of Uncertain Significance. Algorithms developed to predict the effect of missense changes on protein structure and function output the following: SIFT: "Tolerated"; PolyPhen-2: "Benign"; Align-GVGD: "Class C0". The alanine amino acid residue is found in multiple mammalian species, suggesting that this missense change does not adversely affect protein function. These predictions have not been confirmed by published functional studies and their clinical significance is uncertain. This variant has not been reported in the literature in individuals with GBA2-related conditions. This variant is present in population databases (rs373010940, ExAC 0.04%). This sequence change replaces glycine with alanine at codon 269 of the GBA2 protein (p.Gly269Ala). The glycine residue is moderately conserved and there is a small physicochemical difference between glycine and alanine.